The following is an entry in ClinVar:

NC_000016.9:g.(?_90094024)_(90109753_?)dup

Genes: DRC4 (dynein regulatory complex subunit 4; plus strand), GAS8-AS1 (GAS8 antisense RNA 1; minus strand). Cytogenetic location: 16q24.3.
Variant type: Duplication.
Identifiers: ClinVar variation 2424184 (VCV002424184.3).

ClinVar aggregate classification (germline): Uncertain significance (1 of 4 stars; one submission).

Conditions:
Primary ciliary dyskinesia 33. Also called: CILIARY DYSKINESIA, PRIMARY, 33, WITHOUT SITUS INVERSUS. Identifiers: Orphanet 244, MedGen C4225230, MONDO:0014750, OMIM 616726.

Submission:

Labcorp Genetics (formerly Invitae), Labcorp
Classification: Uncertain significance for Primary ciliary dyskinesia 33. Last evaluated: 2022-05-24. Review status: criteria provided, single submitter. Criteria: Invitae Variant Classification Sherloc (09022015). Collection method: clinical testing. Allele origin: germline.
Comment: This variant results in a copy number gain of the genomic region encompassing exon(s) 2-11 of the GAS8 gene. This region includes the termination codon of the gene. This copy number gain extends beyond the assayed region for this gene and therefore may encompass additional genes. As the precise location of this event is unknown, it may be in tandem or it may be located elsewhere in the genome. This variant has not been reported in the literature in individuals affected with GAS8-related conditions. In summary, the available evidence is currently insufficient to determine the role of this variant in disease. Therefore, it has been classified as a Variant of Uncertain Significance.